The following is an entry in ClinVar:

NM_004415.4(DSP):c.3465G>C (p.Trp1155Cys)

Gene: DSP (desmoplakin; plus strand). Cytogenetic location: 6p24.3.
Variant type: single nucleotide variant.
Coding change: c.3465G>C on transcript NM_004415.4 (MANE Select); coding-DNA position 3465, G replaced by C.
Protein change: p.Trp1155Cys; replaces tryptophan 1155 with cysteine.
Molecular consequence: missense variant.
Genome position (GRCh38, 1-based): chr6:7,579,655, G>C. VCF-style: chr6-7579655-G-C. GRCh37 (hg19) VCF-style: chr6-7579888-G-C.
Other names: c.3465G>C (NM_004415.3); c.3465G>C, p.Trp1155Cys (NM_001008844.3, NM_001319034.2); short protein forms W1155C.
Identifiers: ClinVar variation 1000822 (VCV001000822.10), dbSNP rs1759354150, ClinGen allele CA362684121.

ClinVar aggregate classification (germline): Uncertain significance. Review status: criteria provided, multiple submitters, no conflicts (2 of 4 stars). 4 submissions from 4 submitters: Uncertain significance (3). 1 of the submissions does not count toward it. Last evaluated 2024-07-26.

Conditions:
Arrhythmogenic cardiomyopathy with wooly hair and keratoderma. Also called: Dilated cardiomyopathy with woolly hair and keratoderma; PALMOPLANTAR KERATODERMA WITH LEFT VENTRICULAR CARDIOMYOPATHY AND WOOLLY HAIR; Arrhythmogenic cardiomyopathy with woolly hair and keratoderma; Carvajal syndrome. Identifiers: Orphanet 65282, MedGen C1854063, MONDO:0011581, OMIM 605676.
Arrhythmogenic right ventricular dysplasia 8 (ARVD8). Also called: Arrhythmogenic Right Ventricular Dysplasia/Cardiomyopathy 8; ARRHYTHMOGENIC RIGHT VENTRICULAR DYSPLASIA, FAMILIAL, 8; ARRHYTHMOGENIC RIGHT VENTRICULAR CARDIOMYOPATHY 8. Identifiers: MedGen C1843896, MONDO:0011831, OMIM 607450.
Cardiomyopathy (CMYO). Also called: Cardiomyopathies. Identifiers: Orphanet 167848, MedGen C0878544, MONDO:0004994, HP:0001638. Inheritance: Various modes of inheritance.
DSP-related disorder. Also called: DSP-related disorders; DSP-related condition.

Allele frequency attached by ClinVar (database versions not stated): gnomAD exomes below 0.00001.
gnomAD v4.1: 1 of 1,613,976 alleles (0.000062%); highest among the groups gnomAD compares: Non-Finnish European, 0.000085%; no homozygotes.

Submissions (4):

Color Diagnostics, LLC DBA Color Health
Classification: Uncertain significance for Cardiomyopathy. Last evaluated: 2024-07-26. Review status: criteria provided, single submitter. Criteria: ACMG Guidelines, 2015. Collection method: clinical testing. Allele origin: germline.
Comment: This missense variant replaces tryptophan with cysteine at codon 1155 of the DSP protein. Computational prediction is inconclusive regarding the impact of this variant on protein structure and function. To our knowledge, functional studies have not been reported for this variant. This variant has been reported in an individual without ischemic or an overt structural heart disease after syncope or aborted sudden cardiac death (PMID: 38254962) but has not reported in individuals with DSP-related conditions. This variant has not been identified in the general population by the Genome Aggregation Database (gnomAD). The available evidence is insufficient to determine the role of this variant in disease conclusively. Therefore, this variant is classified as a Variant of Uncertain Significance.

All of Us Research Program, National Institutes of Health
Classification: Uncertain significance for Arrhythmogenic cardiomyopathy with wooly hair and keratoderma. Last evaluated: 2023-07-10. Review status: criteria provided, single submitter. Criteria: ACMG Guidelines, 2015. Collection method: clinical testing. Allele origin: germline. Inheritance: Autosomal dominant inheritance. Observed: 1 variant allele, 1 heterozygote.
Comment: This missense variant replaces tryptophan with cysteine at codon 1155 of the DSP protein. Computational prediction is inconclusive regarding the impact of this variant on protein structure and function (internally defined REVEL score threshold 0.5 < inconclusive < 0.7, PMID: 27666373). To our knowledge, functional studies have not been reported for this variant. This variant has not been reported in individuals affected with DSP-related disorders in the literature. This variant has not been identified in the general population by the Genome Aggregation Database (gnomAD). The available evidence is insufficient to determine the role of this variant in disease conclusively. Therefore, this variant is classified as a Variant of Uncertain Significance.

This study involves interpretation of variants in research participants for the purpose of population health screening. Participant phenotype was not available at the time of variant classification. Additional details can be found in publication PMID: 35346344, PMCID: PMC8962531

Labcorp Genetics (formerly Invitae), Labcorp
Classification: Uncertain significance for Arrhythmogenic cardiomyopathy with wooly hair and keratoderma; Arrhythmogenic right ventricular dysplasia 8. Last evaluated: 2022-07-11. Review status: criteria provided, single submitter. Criteria: Invitae Variant Classification Sherloc (09022015). Collection method: clinical testing. Allele origin: germline.
Comment: This sequence change replaces tryptophan, which is neutral and slightly polar, with cysteine, which is neutral and slightly polar, at codon 1155 of the DSP protein (p.Trp1155Cys). This variant is not present in population databases (gnomAD no frequency). This variant has not been reported in the literature in individuals affected with DSP-related conditions. ClinVar contains an entry for this variant (Variation ID: 1000822). Algorithms developed to predict the effect of missense changes on protein structure and function (SIFT, PolyPhen-2, Align-GVGD) all suggest that this variant is likely to be disruptive. In summary, the available evidence is currently insufficient to determine the role of this variant in disease. Therefore, it has been classified as a Variant of Uncertain Significance.

PreventionGenetics, part of Exact Sciences
Classification: Uncertain significance for DSP-related condition. Last evaluated: 2024-09-21. Review status: no assertion criteria provided. Collection method: clinical testing. Allele origin: germline. Not counted in ClinVar's aggregate classification.
Comment: The DSP c.3465G>C variant is predicted to result in the amino acid substitution p.Trp1155Cys. This variant has been reported as a variant of uncertain significance in a cohort of individuals with syncope and/or sudden cardiac arrest; however, detailed clinical information was not available (Vokač et al. 2024. PubMed ID: 38254962). This variant has not been reported in a large population database, indicating this variant is rare. At this time, the clinical significance of this variant is uncertain due to the absence of conclusive functional and genetic evidence.

Literature cited by the submitters: PubMed 38254962 (cited by Color Diagnostics, LLC DBA Color Health).